The following is an entry in ClinVar:

ClinVar aggregate classification (germline): Uncertain significance (1 of 4 stars; one submission).

Conditions:
NRP1-related disorder. Also called: NRP1-related condition.

Submission:

PreventionGenetics, part of Exact Sciences
Classification: Uncertain significance for NRP1-related condition. Last evaluated: 2026-09-14. Review status: criteria provided, single submitter. Criteria: ACMG Guidelines, 2015. Collection method: clinical testing. Allele origin: germline.
Comment: The NRP1 c.1908C>G variant is predicted to result in the amino acid substitution p.Asp636Glu. To our knowledge, this variant has not been reported in the literature or in a large population database (gnomAD), indicating this variant is rare. At this time, the clinical significance of this variant is uncertain due to the absence of conclusive functional and genetic evidence.

NM_003873.7(NRP1):c.1908C>G (p.Asp636Glu)

Gene: NRP1 (neuropilin 1; minus strand). Cytogenetic location: 10p11.22.
Variant type: single nucleotide variant.
Coding change: c.1908C>G on transcript NM_003873.7 (MANE Select); coding-DNA position 1908, C replaced by G.
Protein change: p.Asp636Glu; replaces aspartic acid 636 with glutamic acid.
Molecular consequence: missense variant. On other transcripts: non-coding transcript variant (1).
Genome position (GRCh38, 1-based): chr10:33,197,666, G>C on the plus strand (C>G on the coding strand, the complement: NRP1 is on the minus strand). VCF-style: chr10-33197666-G-C. GRCh37 (hg19) VCF-style: chr10-33486594-G-C.
Other names: c.1908C>G, p.Asp636Glu (NM_001024628.3, NM_001330068.2); c.1803C>G, p.Asp601Glu (NM_001024629.3); c.1887C>G, p.Asp629Glu (NM_001244972.2, NM_001244973.2); short protein forms D601E, D629E, D636E.
Identifiers: ClinVar variation 4985782 (VCV004985782.1).
Genomic context (GRCh38, chr10:33,197,666, plus strand): 5'-GAGAGGTACATGGAATCTGTCACATTTCGTATTTTATTTGATACCTGATTGTATGGTGCT[G>C]TCTATGACCGTGGGCTTTTCTGTGGCCAGCACAGTGGTGCCACCTGAAAAACAAAAACAG-3'
Protein context (NP_003864.5, residues 626-646): VLATEKPTVI[Asp636Glu]STIQSEFPTY